The following is an entry in ClinVar:

ClinVar aggregate classification (germline): Uncertain significance (1 of 4 stars; one submission).

Conditions:
Cerebral cavernous malformation 3. Also called: Familial Cerebral Cavernous Malformation 3. Identifiers: Orphanet 221061, MedGen C1864040, MONDO:0011305, OMIM 603285.

Submission:

Labcorp Genetics (formerly Invitae), Labcorp
Classification: Uncertain significance for Cerebral cavernous malformation 3. Last evaluated: 2023-09-03. Review status: criteria provided, single submitter. Criteria: Invitae Variant Classification Sherloc (09022015). Collection method: clinical testing. Allele origin: germline.
Comment: This variant, c.71_85del, results in the deletion of 5 amino acid(s) of the PDCD10 protein (p.Ala24_Pro28del), but otherwise preserves the integrity of the reading frame. In summary, the available evidence is currently insufficient to determine the role of this variant in disease. Therefore, it has been classified as a Variant of Uncertain Significance. Experimental studies and prediction algorithms are not available or were not evaluated, and the functional significance of this variant is currently unknown. This variant has not been reported in the literature in individuals affected with PDCD10-related conditions. This variant is not present in population databases (gnomAD no frequency).

NM_007217.4(PDCD10):c.71_85del (p.Ala24_Pro28del)

Gene: PDCD10 (programmed cell death 10; minus strand). Cytogenetic location: 3q26.1.
Variant type: Deletion.
Coding change: c.71_85del on transcript NM_007217.4 (MANE Select); coding-DNA positions 71 to 85, 15 bases deleted (CAGTCATGTATCCTG).
Protein change: p.Ala24_Pro28del.
Molecular consequence: inframe deletion.
Genome position (GRCh38, 1-based): chr3:167,720,073-167,720,087, CAGGATACATGACTG deleted on the plus strand (CAGTCATGTATCCTG on the coding strand, the reverse complement: PDCD10 is on the minus strand); deleting any 15 consecutive bases within chr3:167,720,073-167,720,089 gives the same sequence; the c. name uses the placement nearest the transcript's 3' end. VCF-style (leftmost placement, unchanged base first): chr3-167720072-ACAGGATACATGACTG-A. GRCh37 (hg19) VCF-style: chr3-167437860-ACAGGATACATGACTG-A.
Other names: c.71_85del, p.Ala24_Pro28del (NM_145859.2, NM_145860.2).
Identifiers: ClinVar variation 2757530 (VCV002757530.3), dbSNP rs2475935297, ClinGen allele CA2697556974.